The following is an entry in ClinVar:

ClinVar aggregate classification (germline): Likely benign (1 of 4 stars; one submission).

Conditions:
Malignant hyperthermia, susceptibility to, 1 (MHS1). Also called: Anesthesia related hyperthermia; Malignant hyperpyrexia; Fulminating hyperpyrexia; Pharmacogenic myopathy; RYR1-Related Malignant Hyperthermia Susceptibility; Malignant hyperthermia suceptibility 1. Identifiers: Orphanet 423, MedGen C2930980, MONDO:0007783, OMIM 145600.

Submission:

All of Us Research Program, National Institutes of Health
Classification: Likely benign for Malignant hyperthermia, susceptibility to, 1. Last evaluated: 2023-05-16. Review status: criteria provided, single submitter. Criteria: ACMG Guidelines, 2015. Collection method: clinical testing. Allele origin: germline. Inheritance: Autosomal dominant inheritance. Observed: 1 variant allele, 1 heterozygote.
Comment: This study involves interpretation of variants in research participants for the purpose of population health screening. Participant phenotype was not available at the time of variant classification. Additional details can be found in publication PMID: 35346344, PMCID: PMC8962531

NM_000540.3(RYR1):c.1441-6T>C

Genes: RYR1 (ryanodine receptor 1; plus strand), LOC129391106 (MPRA-validated peak3472 silencer; plus strand). Cytogenetic location: 19q13.2.
Variant type: single nucleotide variant.
Coding change: c.1441-6T>C on transcript NM_000540.3 (MANE Select); 6 bases into the intron before coding-DNA position 1441, T replaced by C.
Molecular consequence: intron variant.
Genome position (GRCh38, 1-based): chr19:38,455,229, T>C. VCF-style: chr19-38455229-T-C. GRCh37 (hg19) VCF-style: chr19-38945869-T-C.
Other names: c.1441-6T>C (NM_001042723.2).
Identifiers: ClinVar variation 3071058 (VCV003071058.1), dbSNP rs2514025045, ClinGen allele CA2825002766.